The following is an entry in ClinVar:

ClinVar aggregate classification (germline): Uncertain significance (1 of 4 stars; one submission).

Submission:

Labcorp Genetics (formerly Invitae), Labcorp
Classification: Uncertain significance. Last evaluated: 2023-01-20. Review status: criteria provided, single submitter. Criteria: Invitae Variant Classification Sherloc (09022015). Collection method: clinical testing. Allele origin: unknown.
Comment: In summary, the available evidence is currently insufficient to determine the role of this variant in disease. Therefore, it has been classified as a Variant of Uncertain Significance. This variant has not been reported in the literature in individuals affected with SPPL2A-related conditions. This variant is a gross deletion of the genomic region encompassing exon(s) 2-13 of the SPPL2A gene. This deletion is out-of-frame, and is expected to create a premature translational stop signal and result in an absent or disrupted protein product. However, the current clinical and genetic evidence is not sufficient to establish whether loss-of-function variants in SPPL2A cause disease.

NC_000015.9:g.(?_51014301)_(51041963_?)del

Gene: SPPL2A (signal peptide peptidase like 2A; minus strand). Cytogenetic location: 15q21.2.
Variant type: Deletion.
Identifiers: ClinVar variation 3243900 (VCV003243900.1).